The following is an entry in ClinVar:

NM_032620.4(GTPBP3):c.947A>G (p.Gln316Arg)

Gene: GTPBP3 (GTP binding protein 3, mitochondrial; plus strand). Cytogenetic location: 19p13.11.
Variant type: single nucleotide variant.
Coding change: c.947A>G on transcript NM_032620.4 (MANE Select); coding-DNA position 947, A replaced by G.
Protein change: p.Gln316Arg; replaces glutamine 316 with arginine.
Molecular consequence: missense variant.
Genome position (GRCh38, 1-based): chr19:17,339,572, A>G. VCF-style: chr19-17339572-A-G. GRCh37 (hg19) VCF-style: chr19-17450381-A-G.
Other names: c.947A>G, p.Gln316Arg (NM_001128855.3); c.1013A>G, p.Gln338Arg (NM_001195422.1); c.1043A>G, p.Gln348Arg (NM_133644.4); short protein forms Q338R, Q316R, Q348R.
Identifiers: ClinVar variation 704500 (VCV000704500.17), dbSNP rs145021032, ClinGen allele CA9293577.

ClinVar aggregate classification (germline): Benign/Likely benign. Review status: criteria provided, multiple submitters, no conflicts (2 of 4 stars). 5 submissions from 5 submitters: Benign (3); Likely benign (2). Last evaluated 2026-06-01.

Allele frequency attached by ClinVar (database versions not stated): gnomAD exomes 0.00035 and 0.00087; ExAC 0.00117; ESP Exome Variant Server 0.00339; gnomAD 0.00361 and 0.00380; TOPMed 0.00409; 1000 Genomes Project 0.00479; 1000 Genomes Project 30x 0.00500.
gnomAD v4.1: 1,063 of 1,611,172 alleles (0.066%); highest among the groups gnomAD compares: African/African-American, 1.3%; 11 homozygotes.

Submissions (5):

CeGaT Center for Human Genetics Tuebingen
Classification: Likely benign. Last evaluated: 2026-06-01. Review status: criteria provided, single submitter. Criteria: CeGaT Center For Human Genetics Tuebingen Variant Classification Criteria Version 2. Collection method: clinical testing. Allele origin: germline. Affected: yes. Observed: 1 variant allele.
Comment: GTPBP3: BP4, BS1

Labcorp Genetics (formerly Invitae), Labcorp
Classification: Benign. Last evaluated: 2026-01-27. Review status: criteria provided, single submitter. Criteria: Invitae Variant Classification Sherloc (09022015). Collection method: clinical testing. Allele origin: germline.

Blueprint Genetics
Classification: Likely benign. Last evaluated: 2024-11-28. Review status: criteria provided, single submitter. Criteria: ACMG Guidelines, 2015. Collection method: clinical testing. Allele origin: germline.

GeneDx
Classification: Benign. Last evaluated: 2018-08-16. Review status: criteria provided, single submitter. Criteria: GeneDx Variant Classification Process June 2021. Collection method: clinical testing. Allele origin: germline. Affected: yes.

Breakthrough Genomics
Classification: Benign. Review status: criteria provided, single submitter. Criteria: ACMG Guidelines, 2015. Collection method: not provided. Allele origin: germline. Inheritance: Autosomal recessive inheritance. Affected: yes.